The following is an entry in ClinVar:

NM_022455.5(NSD1):c.6408A>G (p.Pro2136=)

Gene: NSD1 (nuclear receptor binding SET domain protein 1; plus strand). Cytogenetic location: 5q35.3.
Variant type: single nucleotide variant.
Coding change: c.6408A>G on transcript NM_022455.5 (MANE Select); coding-DNA position 6408, A replaced by G.
Protein change: p.Pro2136=; no amino-acid change (proline 2136 retained).
Molecular consequence: synonymous variant.
Genome position (GRCh38, 1-based): chr5:177,292,103, A>G. VCF-style: chr5-177292103-A-G. GRCh37 (hg19) VCF-style: chr5-176719104-A-G.
Other names: c.5535A>G, p.Pro1845= (NM_001365684.2, NM_001409308.1, NM_172349.5); c.6408A>G, p.Pro2136= (NM_001409301.1, NM_001409302.1, NM_001409303.1); c.5988A>G, p.Pro1996= (NM_001409304.1); c.5655A>G, p.Pro1885= (NM_001409305.1); c.5646A>G, p.Pro1882= (NM_001409306.1, NM_001409307.1); c.5286A>G, p.Pro1762= (NM_001409309.1).
Identifiers: ClinVar variation 1212039 (VCV001212039.14), dbSNP rs771993179, ClinGen allele CA3577986.
Genomic context (GRCh38, chr5:177,292,103, plus strand): 5'-GCGAGAAGATGAGTGTTTTAGTTGTGGGGATGCTGGCCAGCTCGTCTCCTGCAAGAAACC[A>G]GGCTGCCCAAAAGTTTACCACGCAGACTGTCTCAATCTGACCAAGCGACCAGCAGGTTGG-3'
Protein context (NP_071900.2, residues 2126-2146): DAGQLVSCKK[Pro2136=]GCPKVYHADC

ClinVar aggregate classification (germline): Likely benign. Review status: criteria provided, multiple submitters, no conflicts (2 of 4 stars). 4 submissions from 4 submitters: Likely benign (3). 1 of the submissions does not count toward it. Last evaluated 2025-09-14.

Conditions:
NSD1-related disorder. Also called: NSD1-related condition.

Allele frequency attached by ClinVar (database versions not stated): ExAC 0.00001; gnomAD 0.00001; gnomAD exomes 0.00002 and 0.00003; TOPMed 0.00003.
gnomAD v4.1: 41 of 1,614,062 alleles (0.0025%); highest among the groups gnomAD compares: Middle Eastern, 0.033%; no homozygotes.

Submissions (4):

Labcorp Genetics (formerly Invitae), Labcorp
Classification: Likely benign. Last evaluated: 2025-09-14. Review status: criteria provided, single submitter. Criteria: Invitae Variant Classification Sherloc (09022015). Collection method: clinical testing. Allele origin: germline.

Blueprint Genetics
Classification: Likely benign. Last evaluated: 2024-09-23. Review status: criteria provided, single submitter. Criteria: ACMG Guidelines, 2015. Collection method: clinical testing. Allele origin: germline.

GeneDx
Classification: Likely benign. Last evaluated: 2020-10-28. Review status: criteria provided, single submitter. Criteria: GeneDx Variant Classification Process June 2021. Collection method: clinical testing. Allele origin: germline. Affected: yes.

PreventionGenetics, part of Exact Sciences
Classification: Likely benign for NSD1-related condition. Last evaluated: 2019-06-28. Review status: no assertion criteria provided. Collection method: clinical testing. Allele origin: germline. Not counted in ClinVar's aggregate classification.
Comment: This variant is classified as likely benign based on ACMG/AMP sequence variant interpretation guidelines (Richards et al. 2015 PMID: 25741868, with internal and published modifications).